The following is an entry in ClinVar:

ClinVar aggregate classification (germline): Uncertain significance (1 of 4 stars; one submission).

gnomAD v4.1: 21 of 1,613,466 alleles (0.0013%); highest among the groups gnomAD compares: Admixed American, 0.0017%; no homozygotes.

Submission:

Labcorp Genetics (formerly Invitae), Labcorp
Classification: Uncertain significance. Last evaluated: 2026-01-20. Review status: criteria provided, single submitter. Criteria: Invitae Variant Classification Sherloc (09022015). Collection method: clinical testing. Allele origin: germline.
Comment: This sequence change replaces glutamic acid, which is acidic and polar, with lysine, which is basic and polar, at codon 1396 of the SPTBN2 protein (p.Glu1396Lys). The frequency data for this variant in the population databases is considered unreliable, as metrics indicate poor data quality at this position in the gnomAD database. This variant has not been reported in the literature in individuals affected with SPTBN2-related conditions. Invitae Evidence Modeling of protein sequence and biophysical properties (such as structural, functional, and spatial information, amino acid conservation, physicochemical variation, residue mobility, and thermodynamic stability) indicates that this missense variant is not expected to disrupt SPTBN2 protein function with a negative predictive value of 80%. In summary, the available evidence is currently insufficient to determine the role of this variant in disease. Therefore, it has been classified as a Variant of Uncertain Significance.

NM_006946.4(SPTBN2):c.4186G>A (p.Glu1396Lys)

Gene: SPTBN2 (spectrin beta, non-erythrocytic 2; minus strand). Cytogenetic location: 11q13.2.
Variant type: single nucleotide variant.
Coding change: c.4186G>A on transcript NM_006946.4 (MANE Select); coding-DNA position 4186, G replaced by A.
Protein change: p.Glu1396Lys; replaces glutamic acid 1396 with lysine.
Molecular consequence: missense variant.
Genome position (GRCh38, 1-based): chr11:66,696,369, C>T on the plus strand (G>A on the coding strand, the complement: SPTBN2 is on the minus strand). VCF-style: chr11-66696369-C-T. GRCh37 (hg19) VCF-style: chr11-66463840-C-T.
Other names: c.4207G>A, p.Glu1403Lys (NM_001411025.1); c.4186G>A, p.Glu1396Lys (NM_001437541.1); short protein forms E1403K, E1396K.
Identifiers: ClinVar variation 4696206 (VCV004696206.1).